The following is an entry in ClinVar:

ClinVar aggregate classification (germline): Likely benign. Review status: criteria provided, multiple submitters, no conflicts (2 of 4 stars). 2 submissions from 2 submitters: Likely benign (2). Last evaluated 2025-05-18.

Conditions:
Hypertrophic cardiomyopathy. Also called: HYPERTROPHIC MYOCARDIOPATHY. Identifiers: Orphanet 217569, MedGen C0007194, MeSH D002312, MONDO:0005045, HP:0001639.
Cardiovascular phenotype. Identifiers: MedGen CN230736.

Allele frequency attached by ClinVar (database versions not stated): TOPMed below 0.00001; gnomAD 0.00001.
gnomAD v4.1: 3 of 1,613,900 alleles (0.00019%); highest among the groups gnomAD compares: East Asian, 0.0022%; no homozygotes.

Submissions (2):

Ambry Genetics
Classification: Likely benign for Cardiovascular phenotype. Last evaluated: 2025-05-18. Review status: criteria provided, single submitter. Criteria: Ambry Variant Classification Scheme 2023. Collection method: clinical testing. Allele origin: germline.

All of Us Research Program, National Institutes of Health
Classification: Likely benign for Hypertrophic cardiomyopathy. Last evaluated: 2023-08-28. Review status: criteria provided, single submitter. Criteria: ACMG Guidelines, 2015. Collection method: clinical testing. Allele origin: germline. Inheritance: Autosomal dominant inheritance. Observed: 2 variant alleles, 2 heterozygotes.
Comment: This study involves interpretation of variants in research participants for the purpose of population health screening. Participant phenotype was not available at the time of variant classification. Additional details can be found in publication PMID: 35346344, PMCID: PMC8962531

NM_000256.3(MYBPC3):c.1482C>G (p.Thr494=)

Gene: MYBPC3 (myosin binding protein C3; minus strand). Cytogenetic location: 11p11.2.
Variant type: single nucleotide variant.
Coding change: c.1482C>G on transcript NM_000256.3 (MANE Select); coding-DNA position 1482, C replaced by G.
Protein change: p.Thr494=; no amino-acid change (threonine 494 retained).
Molecular consequence: synonymous variant.
Genome position (GRCh38, 1-based): chr11:47,342,720, G>C on the plus strand (C>G on the coding strand, the complement: MYBPC3 is on the minus strand). VCF-style: chr11-47342720-G-C. GRCh37 (hg19) VCF-style: chr11-47364271-G-C.
Identifiers: ClinVar variation 3069333 (VCV003069333.2), dbSNP rs756101990, ClinGen allele CA474219995.
Genomic context (GRCh38, chr11:47,342,720, plus strand): 5'-GATGATCAGGTGGTGTCTCTGCCCGTCCTTCTTGAACCGGTATTTGAAGGTCTCCTCCCG[G>C]GTCAGCTCCACCCCGTCCTTCAGCCTAGCCGGGTGGGTGGGTGGCAAGTGCTGTGGCCTC-3'
Protein context (NP_000247.2, residues 484-504): VKWLKDGVEL[Thr494=]REETFKYRFK